The following is an entry in ClinVar:

ClinVar aggregate classification (germline): Uncertain significance (1 of 4 stars; one submission).

gnomAD v4.1: 1 of 1,613,628 alleles (0.000062%); highest among the groups gnomAD compares: Admixed American, 0.0017%; no homozygotes.

Submission:

Women's Health and Genetics/Laboratory Corporation of America, LabCorp
Classification: Uncertain significance. Last evaluated: 2025-04-18. Review status: criteria provided, single submitter. Criteria: LabCorp Variant Classification Summary - May 2015. Collection method: clinical testing. Allele origin: germline.
Comment: Variant summary: CHD5 c.5291G>T (p.Arg1764Leu) results in a non-conservative amino acid change in the encoded protein sequence. Four of five in-silico tools predict a damaging effect of the variant on protein function. The variant allele was found at a frequency of 4e-06 in 251102 control chromosomes. The available data on variant occurrences in the general population are insufficient to allow any conclusion about variant significance. To our knowledge, no occurrence of c.5291G>T in individuals affected with Parenti-Mignot Neurodevelopmental Syndrome and no experimental evidence demonstrating its impact on protein function have been reported. No submitters have cited clinical-significance assessments for this variant to ClinVar. Based on the evidence outlined above, the variant was classified as uncertain significance.

NM_015557.3(CHD5):c.5291G>T (p.Arg1764Leu)

Gene: CHD5 (chromodomain helicase DNA binding protein 5; minus strand). Cytogenetic location: 1p36.31.
Variant type: single nucleotide variant.
Coding change: c.5291G>T on transcript NM_015557.3 (MANE Select); coding-DNA position 5291, G replaced by T.
Protein change: p.Arg1764Leu; replaces arginine 1764 with leucine.
Molecular consequence: missense variant.
Genome position (GRCh38, 1-based): chr1:6,110,485, C>A on the plus strand (G>T on the coding strand, the complement: CHD5 is on the minus strand). VCF-style: chr1-6110485-C-A. GRCh37 (hg19) VCF-style: chr1-6170545-C-A.
Other names: short protein forms R1764L.
Identifiers: ClinVar variation 3896169 (VCV003896169.2).
Genomic context (GRCh38, chr1:6,110,485, plus strand): 5'-ATCTCCAGGTAGTTGCCCTTGTGGACCTCAGACTTGAAGGGCTCGTTGAGGATCATGTAC[C>A]GTGGGTCATTCTGGATGTCCTGCCAGCGGGCGTAGCCGTGCCTGGGTGGGGCACCATTAA-3'
Protein context (NP_056372.1, residues 1754-1774): ARWQDIQNDP[Arg1764Leu]YMILNEPFKS